The following is an entry in ClinVar:

NM_000051.4(ATM):c.446T>A (p.Ile149Asn)

Gene: ATM (ATM serine/threonine kinase; plus strand). Cytogenetic location: 11q22.3.
Variant type: single nucleotide variant.
Coding change: c.446T>A on transcript NM_000051.4 (MANE Select); coding-DNA position 446, T replaced by A.
Protein change: p.Ile149Asn; replaces isoleucine 149 with asparagine.
Molecular consequence: missense variant.
Genome position (GRCh38, 1-based): chr11:108,235,784, T>A. VCF-style: chr11-108235784-T-A. GRCh37 (hg19) VCF-style: chr11-108106511-T-A.
Other names: c.446T>A, p.Ile149Asn (NM_001351834.2); short protein forms I149N.
Identifiers: ClinVar variation 142274 (VCV000142274.12), dbSNP rs587782353, ClinGen allele CA167934.

ClinVar aggregate classification (germline): Uncertain significance. Review status: criteria provided, multiple submitters, no conflicts (2 of 4 stars). 2 submissions from 2 submitters: Uncertain significance (2). Last evaluated 2023-07-25.

Conditions:
Hereditary cancer-predisposing syndrome. Also called: Neoplastic Syndromes, Hereditary; Hereditary Cancer Syndrome; Hereditary neoplastic syndrome; Tumor predisposition. Identifiers: Orphanet 140162, MedGen C0027672, MeSH D009386, MONDO:0015356.
Ataxia-telangiectasia syndrome (AT). Also called: Cerebello-oculocutaneous telangiectasia; Immunodeficiency with ataxia telangiectasia; Ataxia-telangiectasia, complementation group D; AT, COMPLEMENTATION GROUP C; ATAXIA-TELANGIECTASIA, FRESNO VARIANT; ATAXIA-TELANGIECTASIA, COMPLEMENTATION GROUP A. Identifiers: Orphanet 100, MedGen C0004135, MONDO:0008840, OMIM 208900.

Allele frequency attached by ClinVar (database versions not stated): gnomAD exomes below 0.00001.
gnomAD v4.1: 1 of 1,613,840 alleles (0.000062%); highest among the groups gnomAD compares: Non-Finnish European, 0.000085%; no homozygotes.

Submissions (2):

Ambry Genetics
Classification: Uncertain significance for Hereditary cancer-predisposing syndrome. Last evaluated: 2023-07-25. Review status: criteria provided, single submitter. Criteria: Ambry Variant Classification Scheme 2023. Collection method: clinical testing. Allele origin: germline.
Comment: The p.I149N variant (also known as c.446T>A), located in coding exon 4 of the ATM gene, results from a T to A substitution at nucleotide position 446. The isoleucine at codon 149 is replaced by asparagine, an amino acid with dissimilar properties. This amino acid position is highly conserved on sequence alignment. In addition, this alteration is predicted to be deleterious by in silico analysis. Since supporting evidence is limited at this time, the clinical significance of this alteration remains unclear.

Labcorp Genetics (formerly Invitae), Labcorp
Classification: Uncertain significance for Ataxia-telangiectasia syndrome. Last evaluated: 2022-06-28. Review status: criteria provided, single submitter. Criteria: Invitae Variant Classification Sherloc (09022015). Collection method: clinical testing. Allele origin: germline.
Comment: In summary, the available evidence is currently insufficient to determine the role of this variant in disease. Therefore, it has been classified as a Variant of Uncertain Significance. Advanced modeling of protein sequence and biophysical properties (such as structural, functional, and spatial information, amino acid conservation, physicochemical variation, residue mobility, and thermodynamic stability) performed at Invitae indicates that this missense variant is not expected to disrupt ATM protein function. ClinVar contains an entry for this variant (Variation ID: 142274). This variant has not been reported in the literature in individuals affected with ATM-related conditions. This variant is not present in population databases (gnomAD no frequency). This sequence change replaces isoleucine, which is neutral and non-polar, with asparagine, which is neutral and polar, at codon 149 of the ATM protein (p.Ile149Asn).